The following is an entry in ClinVar:

ClinVar aggregate classification (germline): Uncertain significance (1 of 4 stars; one submission).

Submission:

Labcorp Genetics (formerly Invitae), Labcorp
Classification: Uncertain significance. Last evaluated: 2025-09-24. Review status: criteria provided, single submitter. Criteria: Invitae Variant Classification Sherloc (09022015). Collection method: clinical testing. Allele origin: germline.
Comment: This sequence change replaces proline, which is neutral and non-polar, with threonine, which is neutral and polar, at codon 1013 of the COL11A2 protein (p.Pro1013Thr). This variant is not present in population databases (gnomAD no frequency). This variant has not been reported in the literature in individuals affected with COL11A2-related conditions. Invitae Evidence Modeling of protein sequence and biophysical properties (such as structural, functional, and spatial information, amino acid conservation, physicochemical variation, residue mobility, and thermodynamic stability) indicates that this missense variant is not expected to disrupt COL11A2 protein function with a negative predictive value of 95%. In summary, the available evidence is currently insufficient to determine the role of this variant in disease. Therefore, it has been classified as a Variant of Uncertain Significance.

NM_080680.3(COL11A2):c.3037C>A (p.Pro1013Thr)

Gene: COL11A2 (collagen type XI alpha 2 chain; minus strand). Cytogenetic location: 6p21.32.
Variant type: single nucleotide variant.
Coding change: c.3037C>A on transcript NM_080680.3 (MANE Select); coding-DNA position 3037, C replaced by A.
Protein change: p.Pro1013Thr; replaces proline 1013 with threonine.
Molecular consequence: missense variant.
Genome position (GRCh38, 1-based): chr6:33,172,055, G>T on the plus strand (C>A on the coding strand, the complement: COL11A2 is on the minus strand). VCF-style: chr6-33172055-G-T. GRCh37 (hg19) VCF-style: chr6-33139832-G-T.
Other names: c.2857C>A, p.Pro953Thr (NM_001424108.1); c.2191C>A, p.Pro731Thr (NM_001424109.1); c.2011C>A, p.Pro671Thr (NM_001424110.1, NM_001424111.1); c.991C>A, p.Pro331Thr (NM_001424112.1); c.2716C>A, p.Pro906Thr (NM_080679.3); c.2779C>A, p.Pro927Thr (NM_080681.3); short protein forms P1013T, P331T, P671T, P731T, P906T, P927T, P953T.
Identifiers: ClinVar variation 4801314 (VCV004801314.1).